The following is an entry in ClinVar:

NM_005676.5(RBM10):c.2046C>T (p.Asp682=)

Gene: RBM10 (RNA binding motif protein 10; plus strand). Cytogenetic location: Xp11.3.
Variant type: single nucleotide variant.
Coding change: c.2046C>T on transcript NM_005676.5 (MANE Select); coding-DNA position 2046, C replaced by T.
Protein change: p.Asp682=; no amino-acid change (aspartic acid 682 retained).
Molecular consequence: synonymous variant.
Genome position (GRCh38, 1-based): chrX:47,185,150, C>T. VCF-style: chrX-47185150-C-T. GRCh37 (hg19) VCF-style: chrX-47044549-C-T.
Other names: c.1815C>T, p.Asp605= (NM_001204466.2); c.2043C>T, p.Asp681= (NM_001204467.2); c.2241C>T, p.Asp747= (NM_001204468.2); c.1812C>T, p.Asp604= (NM_152856.3).
Identifiers: ClinVar variation 3388258 (VCV003388258.16).

ClinVar aggregate classification (germline): Benign/Likely benign. Review status: criteria provided, multiple submitters, no conflicts (2 of 4 stars). 3 submissions from 3 submitters: Benign (1); Likely benign (2). Last evaluated 2026-01-09.

gnomAD v4.1: 36 of 1,210,754 alleles (0.003%); highest among the groups gnomAD compares: Middle Eastern, 0.046%; no homozygotes.

Submissions (3):

Labcorp Genetics (formerly Invitae), Labcorp
Classification: Benign. Last evaluated: 2026-01-09. Review status: criteria provided, single submitter. Criteria: Invitae Variant Classification Sherloc (09022015). Collection method: clinical testing. Allele origin: germline.

CeGaT Center for Human Genetics Tuebingen
Classification: Likely benign. Last evaluated: 2024-11-01. Review status: criteria provided, single submitter. Criteria: CeGaT Center For Human Genetics Tuebingen Variant Classification Criteria Version 2. Collection method: clinical testing. Allele origin: germline. Affected: yes. Observed: 1 variant allele.
Comment: RBM10: BP4, BP7, BS2

Blueprint Genetics
Classification: Likely benign. Last evaluated: 2022-11-16. Review status: criteria provided, single submitter. Criteria: ACMG Guidelines, 2015. Collection method: clinical testing. Allele origin: germline.